The following is an entry in ClinVar:

NM_007315.4(STAT1):c.1222-5T>C

Gene: STAT1 (signal transducer and activator of transcription 1; minus strand). Cytogenetic location: 2q32.2.
Variant type: single nucleotide variant.
Coding change: c.1222-5T>C on transcript NM_007315.4 (MANE Select); 5 bases into the intron before coding-DNA position 1222, T replaced by C.
Molecular consequence: intron variant.
Genome position (GRCh38, 1-based): chr2:190,985,665, A>G on the plus strand (T>C on the coding strand, the complement: STAT1 is on the minus strand). VCF-style: chr2-190985665-A-G. GRCh37 (hg19) VCF-style: chr2-191850391-A-G.
Other names: p.?; c.1132-5T>C (NM_001384890.1); c.1123-5T>C (NM_001384883.1); c.1063-5T>C (NM_001384885.1); c.1129-5T>C (NM_001384887.1); c.1162-5T>C (NM_001384880.1); c.1192-5T>C (NM_001384888.1); c.1216-5T>C (NM_001384882.1); and 3 more.
Identifiers: ClinVar variation 252674 (VCV000252674.62), dbSNP rs191364028, ClinGen allele CA2029995.

ClinVar aggregate classification (germline): Conflicting classifications of pathogenicity. Review status: criteria provided, conflicting classifications (1 of 4 stars). 11 submissions from 11 submitters: Uncertain significance (1); Benign (3); Likely benign (3). 4 of the submissions do not count toward it. Last evaluated 2026-01-28.

Conditions:
Autoimmune enteropathy and endocrinopathy - susceptibility to chronic infections syndrome. Also called: Immunodeficiency 31C, autosomal dominant; Immunodeficiency 31C. Identifiers: Orphanet 391487, MedGen C3279990, MONDO:0013599, OMIM 614162.
Immunodeficiency 31B. Also called: STAT1 DEFICIENCY, AUTOSOMAL RECESSIVE; IMMUNODEFICIENCY 31B, MYCOBACTERIAL AND VIRAL INFECTIONS, AUTOSOMAL RECESSIVE. Identifiers: Orphanet 391311, MedGen C3151088, MONDO:0013427, OMIM 613796.
Mendelian susceptibility to mycobacterial diseases due to partial STAT1 deficiency. Also called: IMMUNODEFICIENCY 31A, MYCOBACTERIOSIS, AUTOSOMAL DOMINANT; STAT1 DEFICIENCY, AUTOSOMAL DOMINANT; Immunodeficiency 31a. Identifiers: Orphanet 319595, MedGen C4013950, MONDO:0013956, OMIM 614892.

Allele frequency attached by ClinVar (database versions not stated): 1000 Genomes Project 30x 0.00109; ESP Exome Variant Server 0.00115; 1000 Genomes Project 0.00120; gnomAD 0.00133 and 0.00135; TOPMed 0.00155; gnomAD exomes 0.00181 and 0.00197; ExAC 0.00197.
gnomAD v4.1: 3,060 of 1,614,042 alleles (0.19%); highest among the groups gnomAD compares: Admixed American, 0.26%; 4 homozygotes.

Submissions (11):

Labcorp Genetics (formerly Invitae), Labcorp
Classification: Benign for Mendelian susceptibility to mycobacterial diseases due to partial STAT1 deficiency; Immunodeficiency 31B; Autoimmune enteropathy and endocrinopathy - susceptibility to chronic infections syndrome. Last evaluated: 2026-01-28. Review status: criteria provided, single submitter. Criteria: Invitae Variant Classification Sherloc (09022015). Collection method: clinical testing. Allele origin: germline.

Mayo Clinic Laboratories, Mayo Clinic
Classification: Likely benign. Last evaluated: 2025-11-19. Review status: criteria provided, single submitter. Criteria: ACMG Guidelines, 2015. Collection method: clinical testing. Allele origin: germline. Observed: 2 variant alleles.
Comment: BS1, BS2_supporting

CeGaT Center for Human Genetics Tuebingen
Classification: Likely benign. Last evaluated: 2024-12-01. Review status: criteria provided, single submitter. Criteria: CeGaT Center For Human Genetics Tuebingen Variant Classification Criteria Version 2. Collection method: clinical testing. Allele origin: germline. Affected: yes. Observed: 7 variant alleles.
Comment: STAT1: BS2

GeneDx
Classification: Uncertain significance. Last evaluated: 2024-08-18. Review status: criteria provided, single submitter. Criteria: GeneDx Variant Classification Process June 2021. Collection method: clinical testing. Allele origin: germline. Affected: yes.
Comment: Has not been previously published as pathogenic or benign to our knowledge; In silico analysis is inconclusive as to whether the variant alters gene splicing. In the absence of RNA/functional studies, the actual effect of this sequence change is unknown.

Illumina Laboratory Services, Illumina
Classification: Benign for Mendelian susceptibility to mycobacterial diseases due to partial STAT1 deficiency. Last evaluated: 2018-01-12. Review status: criteria provided, single submitter. Criteria: ICSL Variant Classification Criteria 13 December 2019. Collection method: clinical testing. Allele origin: germline.
Comment: This variant was observed in the ICSL laboratory as part of a predisposition screen in an ostensibly healthy population. It had not been previously curated by ICSL or reported in the Human Gene Mutation Database (HGMD: prior to June 1st, 2018), and was therefore a candidate for classification through an automated scoring system. Utilizing variant allele frequency, disease prevalence and penetrance estimates, and inheritance mode, an automated score was calculated to assess if this variant is too frequent to cause the disease. Based on the score and internal cut-off values, a variant classified as benign is not then subjected to further curation. The score for this variant resulted in a classification of benign for this disease.

Genomic Diagnostic Laboratory, Division of Genomic Diagnostics, Children's Hospital of Philadelphia
Classification: Benign. Last evaluated: 2015-11-20. Review status: criteria provided, single submitter. Criteria: DGD Variant Analysis Guidelines. Collection method: clinical testing. Allele origin: unknown.

Center for Genomics, Ann and Robert H. Lurie Children's Hospital of Chicago
Classification: Likely benign for Autoimmune enteropathy and endocrinopathy - susceptibility to chronic infections syndrome; Mendelian susceptibility to mycobacterial diseases due to partial STAT1 deficiency; Immunodeficiency 31B. Review status: criteria provided, single submitter. Criteria: ACMG Guidelines, 2015. Collection method: clinical testing. Allele origin: germline.
Comment: STAT1 NM_007315.3 exon 15 c.1222-5T>C: This variant has not been reported in the literature but is present in 0.2% (95/34420) of Latino alleles in the Genome Aggregation Database. This variant is present in ClinVar (Variation ID:252674). Evolutionary conservation and computational predictive tools for this variant are limited or unavailable. This variant is an intronic variant; splice prediction tools suggest that this variant may not affect splicing. However, further studies are needed to understand its impact. In summary, data on this variant is insufficient for disease classification. Therefore, the clinical significance of this variant is uncertain.

Clinical Genetics DNA and cytogenetics Diagnostics Lab, Erasmus MC, Erasmus Medical Center
Classification: Likely benign. Review status: no assertion criteria provided. Collection method: clinical testing. Allele origin: germline. Affected: yes. Study: VKGL Data-share Consensus. Not counted in ClinVar's aggregate classification.

Diagnostic Laboratory, Department of Genetics, University Medical Center Groningen
Classification: Likely benign. Review status: no assertion criteria provided. Collection method: clinical testing. Allele origin: germline. Affected: yes. Study: VKGL Data-share Consensus. Not counted in ClinVar's aggregate classification.

Genome Diagnostics Laboratory, University Medical Center Utrecht
Classification: Likely benign. Review status: no assertion criteria provided. Collection method: clinical testing. Allele origin: germline. Affected: yes. Study: VKGL Data-share Consensus. Not counted in ClinVar's aggregate classification.

Laboratory of Diagnostic Genome Analysis, Leiden University Medical Center (LUMC)
Classification: Likely benign. Review status: no assertion criteria provided. Collection method: clinical testing. Allele origin: germline. Affected: yes. Study: VKGL Data-share Consensus. Not counted in ClinVar's aggregate classification.